The following is an entry in ClinVar:

ClinVar aggregate classification (germline): Pathogenic (1 of 4 stars; one submission).

Conditions:
Primary ciliary dyskinesia 3. Identifiers: Orphanet 244, MedGen C1837618, MONDO:0012085, OMIM 608644.

Submission:

Myriad Genetics, Inc.
Classification: Pathogenic for Primary ciliary dyskinesia 3. Last evaluated: 2023-09-27. Review status: criteria provided, single submitter. Criteria: Myriad Autosomal Dominant, Autosomal Recessive and X-Linked Classification Criteria (2023). Collection method: clinical testing. Allele origin: unknown.
Comment: NM_001369.2(DNAH5):c.7569dupG(P2524Afs*31) is expected to be pathogenic in the context of primary ciliary dyskinesia, DNAH5-related. This variant is predicted to lead to an abnormal or absent protein product due to the creation of a premature termination codon in DNAH5, a gene where loss-of-function variants are known to be pathogenic. Please note: this variant was assessed in the context of healthy population screening.

NM_001369.3(DNAH5):c.7569dup (p.Pro2524fs)

Gene: DNAH5 (dynein axonemal heavy chain 5; minus strand). Cytogenetic location: 5p15.2.
Variant type: Duplication.
Coding change: c.7569dup on transcript NM_001369.3 (MANE Select); coding-DNA position 7569, one base duplicated (G; older notation c.7569dupG).
Protein change: p.Pro2524fs; shifts the reading frame from proline 2524.
Molecular consequence: frameshift variant.
Genome position (GRCh38, 1-based): chr5:13,810,099, C duplicated on the plus strand (G on the coding strand, the reverse complement: DNAH5 is on the minus strand); the first of 4 consecutive C bases (chr5:13,810,099-13,810,102); duplicating any one gives the same sequence. VCF-style (leftmost placement, unchanged base first): chr5-13810098-G-GC. GRCh37 (hg19) VCF-style: chr5-13810207-G-GC.
Other names: short protein forms P2524fs.
Identifiers: ClinVar variation 5012105 (VCV005012105.1).
Genomic context (GRCh38, chr5:13,810,098, plus strand): 5'-TGGACGGGCAGGTGTCCTCACCATCGGGCGCCACATAGTAGTCGAAGGCGGTGTCCCCGG[G>GC]CCCCGCTGGCGGCGGCAGCTCCAGCGTCCCTGTGGGCCGAGAGCGCAGCCAGAGCTCCAG-3'